The following is an entry in ClinVar:

NM_001134363.3(RBM20):c.1901G>A (p.Arg634Gln)

Gene: RBM20 (RNA binding motif protein 20; plus strand). Cytogenetic location: 10q25.2.
Variant type: single nucleotide variant.
Coding change: c.1901G>A on transcript NM_001134363.3 (MANE Select); coding-DNA position 1901, G replaced by A.
Protein change: p.Arg634Gln; replaces arginine 634 with glutamine.
Molecular consequence: missense variant.
Genome position (GRCh38, 1-based): chr10:110,812,298, G>A. VCF-style: chr10-110812298-G-A. GRCh37 (hg19) VCF-style: chr10-112572056-G-A.
Other names: p.R634Q:CGG>CAG; c.1901G>A (LRG_382t1); short protein forms R634Q.
Identifiers: ClinVar variation 269 (VCV000000269.33), dbSNP rs267607001, ClinGen allele CA251408.
Genomic context (GRCh38, chr10:110,812,298, plus strand): 5'-GTGTGAAGATTCTAAATCCTGCTCCTTGGCTCCCTCACAGATATGGCCCAGAAAGGCCGC[G>A]GTCTCGTAGTCCGGTGAGCCGGTCACTCTCCCCGAGGTCCCACACTCCCAGCTTCACCTC-3'
Protein context (NP_001127835.2, residues 624-644): EADRYGPERP[Arg634Gln]SRSPVSRSLS

ClinVar aggregate classification (germline): Pathogenic/Likely pathogenic. Review status: criteria provided, multiple submitters, no conflicts (2 of 4 stars). 15 submissions from 15 submitters: Pathogenic (9); Likely pathogenic (1). 5 of the submissions do not count toward it. Last evaluated 2026-08-26.

Conditions:
RBM20-related disorder. Also called: RBM20-related condition.
Cardiovascular phenotype. Identifiers: MedGen CN230736.
Dilated cardiomyopathy 1DD (CMD1DD). Identifiers: Orphanet 154, MedGen C2750995, MONDO:0013168, OMIM 613172.

Allele frequency attached by ClinVar (database versions not stated): gnomAD exomes 0.00001; TOPMed 0.00001.
gnomAD v4.1: 4 of 1,547,500 alleles (0.00026%); highest among the groups gnomAD compares: Admixed American, 0.002%; no homozygotes.

Submissions (15):

PreventionGenetics, part of Exact Sciences
Classification: Pathogenic for RBM20-related condition. Last evaluated: 2026-08-26. Review status: criteria provided, single submitter. Criteria: ACMG Guidelines, 2015. Collection method: clinical testing. Allele origin: germline.
Comment: The RBM20 c.1901G>A variant is predicted to result in the amino acid substitution p.Arg634Gln. This variant has been reported in individuals with dilated cardiomyopathy and has been reported to segregate with disease in family members (see, for example: Brauch et al. 2009. PubMed ID: 19712804; Hey et al. 2019. PubMed ID: 30871348; Tables S10 and S11, Josephs et al. 2024. PubMed ID: 39472908). In vitro and in vivo experimental studies indicate this variant impacts protein function (see, for example: Lennermann et al. 2022. PubMed ID: 36367695; Nishiyama et al. 2022. PubMed ID: 36417486; Kornienko et al. 2023. PubMed ID: 37463913). This variant is reported in 0.0041% of alleles in individuals of Latino descent in gnomAD. Other variants affecting the same amino acid (p.Arg634Trp, p.Arg634Leu) have also been reported in individuals with dilated cardiomyopathy (Li et al. 2010. PubMed ID: 20590677; Sedaghat-Hamedani et al. 2017. PubMed ID: 29029073). This variant is interpreted as pathogenic.

Labcorp Genetics (formerly Invitae), Labcorp
Classification: Pathogenic for Dilated cardiomyopathy 1DD. Last evaluated: 2026-01-15. Review status: criteria provided, single submitter. Criteria: Invitae Variant Classification Sherloc (09022015). Collection method: clinical testing. Allele origin: germline.
Comment: This sequence change replaces arginine, which is basic and polar, with glutamine, which is neutral and polar, at codon 634 of the RBM20 protein (p.Arg634Gln). The frequency data for this variant in the population databases is considered unreliable, as metrics indicate poor data quality at this position in the gnomAD database. This missense change has been observed in individuals with dilated cardiomyopathy (PMID: 19712804, 20590677, 33019804). It has also been observed to segregate with disease in related individuals. ClinVar contains an entry for this variant (Variation ID: 269). Invitae Evidence Modeling of protein sequence and biophysical properties (such as structural, functional, and spatial information, amino acid conservation, physicochemical variation, residue mobility, and thermodynamic stability) has been performed for this missense variant. However, the output from this modeling did not meet the statistical confidence thresholds required to predict the impact of this variant on RBM20 protein function. Experimental studies have shown that this missense change affects RBM20 function (PMID: 22466703). For these reasons, this variant has been classified as Pathogenic.

Ambry Genetics
Classification: Likely pathogenic for Cardiovascular phenotype. Last evaluated: 2024-12-27. Review status: criteria provided, single submitter. Criteria: Ambry Variant Classification Scheme 2023. Collection method: clinical testing. Allele origin: germline.
Comment: The p.R634Q variant (also known as c.1901G>A), located in coding exon 9 of the RBM20 gene, results from a G to A substitution at nucleotide position 1901. The arginine at codon 634 is replaced by glutamine, an amino acid with highly similar properties. This variant was identified in one or more individuals with features consistent with dilated cardiomyopathy (DCM) and segregated with disease in at least one family (Brauch KM et al. J Am Coll Cardiol, 2009 Sep;54:930-41; Li D et al. Clin Transl Sci, 2010 Jun;3:90-7; Hey TM et al. Circ Heart Fail, 2020 Oct;13:e006701; Stava TT et al. Eur J Prev Cardiol, 2022 Oct;29:1789-1799; McGurk KA et al. Am J Hum Genet, 2023 Sep;110:1482-1495; Ambry internal data). This variant is considered to be rare based on population cohorts in the Genome Aggregation Database (gnomAD). This amino acid position is highly conserved in available vertebrate species. In addition, this alteration is predicted to be deleterious by in silico analysis. Based on the majority of available evidence to date, this variant is likely to be pathogenic.

Blueprint Genetics
Classification: Pathogenic for RBM20-related disorders. Last evaluated: 2024-10-10. Review status: criteria provided, single submitter. Criteria: ACMG Guidelines, 2015. Collection method: clinical testing. Allele origin: germline. Affected: yes. Observed: 5 variant alleles.

Baylor Genetics
Classification: Pathogenic for Dilated cardiomyopathy 1DD. Last evaluated: 2022-10-23. Review status: criteria provided, single submitter. Criteria: ACMG Guidelines, 2015. Collection method: clinical testing. Allele origin: unknown.

GeneDx
Classification: Pathogenic. Last evaluated: 2022-03-18. Review status: criteria provided, single submitter. Criteria: GeneDx Variant Classification Process June 2021. Collection method: clinical testing. Allele origin: germline. Affected: yes.
Comment: An in vitro splice reporter assay supports an adverse effect when compared to wild-type (Guo et al., 2012); Not observed at significant frequency in large population cohorts (gnomAD); This variant is associated with the following publications: (PMID: 26604136, 26187847, 22004663, 20590677, 30050558, 30547036, 30871348, 33019804, 19712804, 22466703)

AiLife Diagnostics
Classification: Pathogenic. Last evaluated: 2022-01-19. Review status: criteria provided, single submitter. Criteria: ACMG Guidelines, 2015. Collection method: clinical testing. Allele origin: germline. Affected: yes. Observed: 1 variant allele.

Equipe Genetique des Anomalies du Developpement, Université de Bourgogne
Classification: Pathogenic for Dilated cardiomyopathy 1DD. Last evaluated: 2020-09-22. Review status: criteria provided, single submitter. Criteria: ACMG Guidelines, 2015. Collection method: clinical testing. Allele origin: de novo. Affected: yes.

Centre for Mendelian Genomics, University Medical Centre Ljubljana
Classification: Pathogenic for Dilated cardiomyopathy 1DD. Last evaluated: 2019-08-14. Review status: criteria provided, single submitter. Criteria: ACMG Guidelines, 2015. Collection method: clinical testing. Allele origin: unknown. Affected: yes.
Comment: This variant was classified as: Pathogenic. The following ACMG criteria were applied in classifying this variant: PS1,PM1,PM2,PP3,PP4.

Stanford Center for Inherited Cardiovascular Disease, Stanford University
Classification: Pathogenic. Last evaluated: 2017-04-06. Review status: criteria provided, single submitter. Criteria: ACMG Guidelines, 2015. Collection method: provider interpretation. Allele origin: germline.

OMIM
Classification: Pathogenic for CARDIOMYOPATHY, DILATED, 1DD. Last evaluated: 2010-06-01. Review status: no assertion criteria provided. Collection method: literature only. Allele origin: germline. Not counted in ClinVar's aggregate classification.

Clinical Genetics, Academic Medical Center
Classification: Pathogenic. Review status: no assertion criteria provided. Collection method: clinical testing. Allele origin: germline. Affected: yes. Study: VKGL Data-share Consensus. Not counted in ClinVar's aggregate classification.

Diagnostic Laboratory, Department of Genetics, University Medical Center Groningen
Classification: Pathogenic. Review status: no assertion criteria provided. Collection method: clinical testing. Allele origin: germline. Affected: yes. Study: VKGL Data-share Consensus. Not counted in ClinVar's aggregate classification.

Genome Diagnostics Laboratory, University Medical Center Utrecht
Classification: Pathogenic. Review status: no assertion criteria provided. Collection method: clinical testing. Allele origin: germline. Affected: yes. Study: VKGL Data-share Consensus. Not counted in ClinVar's aggregate classification.

Joint Genome Diagnostic Labs from Nijmegen and Maastricht, Radboudumc and MUMC+
Classification: Pathogenic. Review status: no assertion criteria provided. Collection method: clinical testing. Allele origin: germline. Affected: yes. Study: VKGL Data-share Consensus. Not counted in ClinVar's aggregate classification.

Literature cited by the submitters: PubMed 19712804 (cited by 4 submitters); PubMed 20590677 (cited by 4 submitters); PubMed 33019804 (cited by 3 submitters); PubMed 22466703 (cited by Labcorp Genetics (formerly Invitae), Labcorp and AiLife Diagnostics); PubMed 29029073 (cited by Ambry Genetics); PubMed 30871348 (cited by Ambry Genetics and AiLife Diagnostics); PubMed 31638414 (cited by Ambry Genetics); PubMed 35653365 (cited by Ambry Genetics); PubMed 36417486 (cited by Ambry Genetics); PubMed 37652022 (cited by Ambry Genetics).